The following is an entry in ClinVar:

ClinVar aggregate classification (germline): Uncertain significance. Review status: criteria provided, multiple submitters, no conflicts (2 of 4 stars). 3 submissions from 3 submitters: Uncertain significance (3). Last evaluated 2026-08-23.

Conditions:
Inborn genetic diseases. Identifiers: MedGen C0950123, MeSH D030342.
PCNT-related disorder. Also called: PCNT-related condition.

Allele frequency attached by ClinVar (database versions not stated): gnomAD exomes 0.00002 and 0.00006; gnomAD 0.00021 and 0.00022; ExAC 0.00009; 1000 Genomes Project 30x 0.00062; ESP Exome Variant Server 0.00038; TOPMed 0.00020; 1000 Genomes Project 0.00060.
gnomAD v4.1: 61 of 1,613,880 alleles (0.0038%); highest among the groups gnomAD compares: African/African-American, 0.076%; no homozygotes.

Submissions (3):

Ambry Genetics
Classification: Uncertain significance for Inborn genetic diseases. Last evaluated: 2026-08-23. Review status: criteria provided, single submitter. Criteria: Ambry Variant Classification Scheme 2023. Collection method: clinical testing. Allele origin: germline.
Comment: The c.7345T>A (p.W2449R) alteration is located in exon 34 (coding exon 34) of the PCNT gene. This alteration results from a T to A substitution at nucleotide position 7345, causing the tryptophan (W) at amino acid position 2449 to be replaced by an arginine (R). Based on data from gnomAD, the A allele has an overall frequency of 0.009% (26/282640) total alleles studied. The highest observed frequency was 0.104% (26/24946) of African alleles. Based on insufficient or conflicting evidence, the clinical significance of this alteration remains unclear.

PreventionGenetics, part of Exact Sciences
Classification: Uncertain significance for PCNT-related condition. Last evaluated: 2026-07-08. Review status: criteria provided, single submitter. Criteria: ACMG Guidelines, 2015. Collection method: clinical testing. Allele origin: germline.
Comment: The PCNT c.7345T>A variant is predicted to result in the amino acid substitution p.Trp2449Arg. To our knowledge, this variant has not been reported in the literature. This variant is reported in 0.10% of alleles in individuals of African descent in gnomAD. Although we suspect that this variant may be benign, at this time, the clinical significance of this variant is uncertain due to the absence of conclusive functional and genetic evidence.

Labcorp Genetics (formerly Invitae), Labcorp
Classification: Uncertain significance. Last evaluated: 2022-05-12. Review status: criteria provided, single submitter. Criteria: Invitae Variant Classification Sherloc (09022015). Collection method: clinical testing. Allele origin: germline.
Comment: This sequence change replaces tryptophan, which is neutral and slightly polar, with arginine, which is basic and polar, at codon 2449 of the PCNT protein (p.Trp2449Arg). This variant is present in population databases (rs199778396, gnomAD 0.1%). This variant has not been reported in the literature in individuals affected with PCNT-related conditions. Algorithms developed to predict the effect of missense changes on protein structure and function are either unavailable or do not agree on the potential impact of this missense change (SIFT: "Deleterious"; PolyPhen-2: "Possibly Damaging"; Align-GVGD: "Class C0"). Algorithms developed to predict the effect of sequence changes on RNA splicing suggest that this variant may create or strengthen a splice site. In summary, the available evidence is currently insufficient to determine the role of this variant in disease. Therefore, it has been classified as a Variant of Uncertain Significance.

NM_006031.6(PCNT):c.7345T>A (p.Trp2449Arg)

Gene: PCNT (pericentrin; plus strand). Cytogenetic location: 21q22.3.
Variant type: single nucleotide variant.
Coding change: c.7345T>A on transcript NM_006031.6 (MANE Select); coding-DNA position 7345, T replaced by A.
Protein change: p.Trp2449Arg; replaces tryptophan 2449 with arginine.
Molecular consequence: missense variant.
Genome position (GRCh38, 1-based): chr21:46,427,646, T>A. VCF-style: chr21-46427646-T-A. GRCh37 (hg19) VCF-style: chr21-47847560-T-A.
Other names: c.6991T>A, p.Trp2331Arg (NM_001315529.2); c.7345T>A (NM_006031.5); short protein forms W2331R, W2449R.
Identifiers: ClinVar variation 1423034 (VCV001423034.6), dbSNP rs199778396, ClinGen allele CA10080637.
Genomic context (GRCh38, chr21:46,427,646, plus strand): 5'-TTGTGAGGACGCCACGTTTCTTCCTTCTTCCTTTAGGAAGTGCCCACCGCGTGCCCCGAT[T>A]GGAGAGGGGACCTTCTGCAGGTTGTGCAAGAGGCCTTTGAAAAAGAGCAGGAGATGCAGG-3'
Protein context (NP_006022.3, residues 2439-2459): TQEVPTACPD[Trp2449Arg]RGDLLQVVQE